The following is an entry in ClinVar:

NM_003647.3(DGKE):c.231C>G (p.Cys77Trp)

Gene: DGKE (diacylglycerol kinase epsilon; plus strand). Cytogenetic location: 17q22.
Variant type: single nucleotide variant.
Coding change: c.231C>G on transcript NM_003647.3 (MANE Select); coding-DNA position 231, C replaced by G.
Protein change: p.Cys77Trp; replaces cysteine 77 with tryptophan.
Molecular consequence: missense variant.
Genome position (GRCh38, 1-based): chr17:56,835,026, C>G. VCF-style: chr17-56835026-C-G. GRCh37 (hg19) VCF-style: chr17-54912387-C-G.
Other names: short protein forms C77W.
Identifiers: ClinVar variation 4280348 (VCV004280348.1).

ClinVar aggregate classification (germline): Likely pathogenic, low penetrance (1 of 4 stars; one submission).

Conditions:
Atypical hemolytic-uremic syndrome. Identifiers: Orphanet 2134, MedGen C2931788, MONDO:0016244.

Submission:

Genomenon, Inc
Classification: Likely pathogenic, low penetrance for Atypical hemolytic-uremic syndrome. Last evaluated: 2025-09-26. Review status: criteria provided, single submitter. Criteria: Genomenon Sequence Variant Interpretation Standards - Updated. Collection method: curation. Allele origin: germline. Affected: yes.
Comment: DGKE p.Cys77Trp (c.231C>G) is a missense variant that changes the amino acid at residue 77 from Cysteine to Tryptophan. This variant has been observed in at least one proband affected with atypical hemolytic-uremic syndrome (PMID:32091318). It has been observed in trans with a pathogenic/likely pathogenic variant (PMID:32091318). It is absent or not present at a significant frequency in gnomAD. In silico models agree that this variant is possibly or probably damaging. In conclusion, we classify DGKE p.Cys77Trp (c.231C>G) as a likely pathogenic, low penetrance variant.

Literature cited by the submitters: PubMed 32091318.